The following is an entry in ClinVar:

NM_000435.3(NOTCH3):c.5466C>T (p.Ser1822=)

Gene: NOTCH3 (notch receptor 3; minus strand). Cytogenetic location: 19p13.12.
Variant type: single nucleotide variant.
Coding change: c.5466C>T on transcript NM_000435.3 (MANE Select); coding-DNA position 5466, C replaced by T.
Protein change: p.Ser1822=; no amino-acid change (serine 1822 retained).
Molecular consequence: synonymous variant.
Genome position (GRCh38, 1-based): chr19:15,165,988, G>A on the plus strand (C>T on the coding strand, the complement: NOTCH3 is on the minus strand). VCF-style: chr19-15165988-G-A. GRCh37 (hg19) VCF-style: chr19-15276799-G-A.
Other names: p.Ser1822=.
Identifiers: ClinVar variation 328382 (VCV000328382.54), dbSNP rs148053028, ClinGen allele CA9262619.

ClinVar aggregate classification (germline): Likely benign. Review status: criteria provided, multiple submitters, no conflicts (2 of 4 stars). 8 submissions from 8 submitters: Likely benign (6). 2 of the submissions do not count toward it. Last evaluated 2026-03-01.

Conditions:
Cerebral arteriopathy, autosomal dominant, with subcortical infarcts and leukoencephalopathy, type 1 (CADASIL1). Also called: CADASIL 1; Cerebral arteriopathy with subcortical infarcts and leukoencephalopathy 1; CASIL; DEMENTIA, HEREDITARY MULTIINFARCT TYPE. Identifiers: Orphanet 136, MedGen C4551768, MONDO:0000914, OMIM 125310.

Allele frequency attached by ClinVar (database versions not stated): gnomAD exomes 0.00015 and 0.00021; gnomAD 0.00019 and 0.00020; ExAC 0.00020; ESP Exome Variant Server 0.00023; TOPMed 0.00023; 1000 Genomes Project 30x 0.00031; 1000 Genomes Project 0.00040.
gnomAD v4.1: 256 of 1,614,180 alleles (0.016%); highest among the groups gnomAD compares: Middle Eastern, 0.066%; no homozygotes.

Submissions (8):

CeGaT Center for Human Genetics Tuebingen
Classification: Likely benign. Last evaluated: 2026-03-01. Review status: criteria provided, single submitter. Criteria: CeGaT Center For Human Genetics Tuebingen Variant Classification Criteria Version 2. Collection method: clinical testing. Allele origin: germline. Affected: yes. Observed: 5 variant alleles.
Comment: NOTCH3: BP4, BP7

Labcorp Genetics (formerly Invitae), Labcorp
Classification: Likely benign. Last evaluated: 2026-01-25. Review status: criteria provided, single submitter. Criteria: Invitae Variant Classification Sherloc (09022015). Collection method: clinical testing. Allele origin: germline.

Mayo Clinic Laboratories, Mayo Clinic
Classification: Likely benign. Last evaluated: 2025-02-24. Review status: criteria provided, single submitter. Criteria: ACMG Guidelines, 2015. Collection method: clinical testing. Allele origin: germline. Observed: 1 variant allele.
Comment: BS2, BP4, BP7

ARUP Laboratories, Molecular Genetics and Genomics, ARUP Laboratories
Classification: Likely benign. Last evaluated: 2024-12-23. Review status: criteria provided, single submitter. Criteria: ARUP Molecular Germline Variant Investigation Process 2024. Collection method: clinical testing. Allele origin: germline.

Blueprint Genetics
Classification: Likely benign. Last evaluated: 2024-08-26. Review status: criteria provided, single submitter. Criteria: ACMG Guidelines, 2015. Collection method: clinical testing. Allele origin: germline.

Illumina Laboratory Services, Illumina
Classification: Likely benign for Cerebral arteriopathy, autosomal dominant, with subcortical infarcts and leukoencephalopathy, type 1. Last evaluated: 2018-01-13. Review status: criteria provided, single submitter. Criteria: ICSL Variant Classification Criteria 13 December 2019. Collection method: clinical testing. Allele origin: germline.
Comment: This variant was observed in the ICSL laboratory as part of a predisposition screen in an ostensibly healthy population. It had not been previously curated by ICSL or reported in the Human Gene Mutation Database (HGMD: prior to June 1st, 2018), and was therefore a candidate for classification through an automated scoring system. Utilizing variant allele frequency, disease prevalence and penetrance estimates, and inheritance mode, an automated score was calculated to assess if this variant is too frequent to cause the disease. Based on the score and internal cut-off values, a variant classified as likely benign is not then subjected to further curation. The score for this variant resulted in a classification of likely benign for this disease.

Genome Diagnostics Laboratory, Amsterdam University Medical Center
Classification: Likely benign. Review status: no assertion criteria provided. Collection method: clinical testing. Allele origin: germline. Affected: yes. Study: VKGL Data-share Consensus. Not counted in ClinVar's aggregate classification.

Laboratory of Diagnostic Genome Analysis, Leiden University Medical Center (LUMC)
Classification: Likely benign. Review status: no assertion criteria provided. Collection method: clinical testing. Allele origin: germline. Affected: yes. Study: VKGL Data-share Consensus. Not counted in ClinVar's aggregate classification.